The following is an entry in ClinVar:

NM_199420.4(POLQ):c.7306A>G (p.Arg2436Gly)

Gene: POLQ (DNA polymerase theta; minus strand). Cytogenetic location: 3q13.33.
Variant type: single nucleotide variant.
Coding change: c.7306A>G on transcript NM_199420.4 (MANE Select); coding-DNA position 7306, A replaced by G.
Protein change: p.Arg2436Gly; replaces arginine 2436 with glycine.
Molecular consequence: missense variant.
Genome position (GRCh38, 1-based): chr3:121,440,075, T>C on the plus strand (A>G on the coding strand, the complement: POLQ is on the minus strand). VCF-style: chr3-121440075-T-C. GRCh37 (hg19) VCF-style: chr3-121158922-T-C.
Other names: short protein forms R2436G.
Identifiers: ClinVar variation 1758224 (VCV001758224.2), dbSNP rs751096336, ClinGen allele CA2562210.

ClinVar aggregate classification (germline): Uncertain significance (1 of 4 stars; one submission).

Allele frequency attached by ClinVar (database versions not stated): gnomAD exomes below 0.00001; ExAC 0.00001.
gnomAD v4.1: 3 of 1,609,262 alleles (0.00019%); highest among the groups gnomAD compares: Non-Finnish European, 0.00026%; no homozygotes.

Submission:

Ambry Genetics
Classification: Uncertain significance. Last evaluated: 2022-05-20. Review status: criteria provided, single submitter. Criteria: Ambry Variant Classification Scheme 2023. Collection method: clinical testing. Allele origin: germline.
Comment: The p.R2436G variant (also known as c.7306A>G), located in coding exon 27 of the POLQ gene, results from an A to G substitution at nucleotide position 7306. The arginine at codon 2436 is replaced by glycine, an amino acid with dissimilar properties. This amino acid position is conserved. In addition, the in silico prediction for this alteration is inconclusive. Since supporting evidence is limited at this time, the clinical significance of this alteration remains unclear.